The following is an entry in ClinVar:

NM_000101.4(CYBA):c.567G>A (p.Pro189=)

Gene: CYBA (cytochrome b-245 alpha chain; minus strand). Cytogenetic location: 16q24.2.
Variant type: single nucleotide variant.
Coding change: c.567G>A on transcript NM_000101.4 (MANE Select); coding-DNA position 567, G replaced by A.
Protein change: p.Pro189=; no amino-acid change (proline 189 retained).
Molecular consequence: synonymous variant.
Genome position (GRCh38, 1-based): chr16:88,643,374, C>T on the plus strand (G>A on the coding strand, the complement: CYBA is on the minus strand). VCF-style: chr16-88643374-C-T. GRCh37 (hg19) VCF-style: chr16-88709782-C-T.
Identifiers: ClinVar variation 859385 (VCV000859385.10), dbSNP rs1407529453, ClinGen allele CA497362074.

ClinVar aggregate classification (germline): Likely benign. Review status: criteria provided, multiple submitters, no conflicts (2 of 4 stars). 4 submissions from 4 submitters: Likely benign (2). 2 of the submissions do not count toward it. Last evaluated 2025-10-16.

Conditions:
CYBA-related disorder. Also called: CYBA-related condition.
Chronic granulomatous disease. Identifiers: Orphanet 379, MedGen C0018203, MONDO:0018305.
Granulomatous disease, chronic, autosomal recessive, cytochrome b-negative. Also called: GRANULOMATOUS DISEASE, CHRONIC, AUTOSOMAL RECESSIVE, 4; Chronic granulomatous disease, autosomal, due to deficiency of CYBA; CGD DUE TO DEFICIENCY OF THE ALPHA SUBUNIT OF CYTOCHROME b; CGD, AUTOSOMAL RECESSIVE CYTOCHROME b-NEGATIVE; CYBA DEFICIENCY. Identifiers: Orphanet 379, MedGen C1856255, MONDO:0009308, OMIM 233690.

Allele frequency attached by ClinVar (database versions not stated): gnomAD exomes 0.00004 and 0.00006; gnomAD 0.00005 and 0.00006; TOPMed 0.00007.

Submissions (4):

Labcorp Genetics (formerly Invitae), Labcorp
Classification: Likely benign for Granulomatous disease, chronic, autosomal recessive, cytochrome b-negative. Last evaluated: 2025-10-16. Review status: criteria provided, single submitter. Criteria: Invitae Variant Classification Sherloc (09022015). Collection method: clinical testing. Allele origin: germline.

Blueprint Genetics
Classification: Likely benign. Last evaluated: 2021-01-04. Review status: criteria provided, single submitter. Criteria: ACMG Guidelines, 2015. Collection method: clinical testing. Allele origin: germline.

Natera, Inc.
Classification: Uncertain significance for Chronic granulomatous disease. Last evaluated: 2020-01-17. Review status: no assertion criteria provided. Collection method: clinical testing. Allele origin: germline. Not counted in ClinVar's aggregate classification.

PreventionGenetics, part of Exact Sciences
Classification: Likely benign for CYBA-related condition. Last evaluated: 2019-12-20. Review status: no assertion criteria provided. Collection method: clinical testing. Allele origin: germline. Not counted in ClinVar's aggregate classification.
Comment: This variant is classified as likely benign based on ACMG/AMP sequence variant interpretation guidelines (Richards et al. 2015 PMID: 25741868, with internal and published modifications).